The following is an entry in ClinVar:

NM_000051.4(ATM):c.7855A>G (p.Ser2619Gly)

Genes: ATM (ATM serine/threonine kinase; plus strand), C11orf65 (chromosome 11 open reading frame 65; minus strand). Cytogenetic location: 11q22.3.
Variant type: single nucleotide variant.
Coding change: c.7855A>G on transcript NM_000051.4 (MANE Select); coding-DNA position 7855, A replaced by G.
Protein change: p.Ser2619Gly; replaces serine 2619 with glycine.
Molecular consequence: missense variant. On other transcripts: intron variant (2).
Genome position (GRCh38, 1-based): chr11:108,332,828, A>G. VCF-style: chr11-108332828-A-G. GRCh37 (hg19) VCF-style: chr11-108203555-A-G.
Other names: c.7855A>G, p.Ser2619Gly (NM_001351834.2); c.641-23757T>C (NM_001330368.2); c.*38+2392T>C (NM_001351110.2); short protein forms S2619G.
Identifiers: ClinVar variation 1007824 (VCV001007824.12), dbSNP rs2086416652, ClinGen allele CA382561378.

ClinVar aggregate classification (germline): Uncertain significance. Review status: criteria provided, multiple submitters, no conflicts (2 of 4 stars). 4 submissions from 4 submitters: Uncertain significance (3). 1 of the submissions does not count toward it. Last evaluated 2025-03-03.

Conditions:
Hereditary cancer-predisposing syndrome. Also called: Neoplastic Syndromes, Hereditary; Tumor predisposition; Hereditary Cancer Syndrome; Hereditary neoplastic syndrome. Identifiers: Orphanet 140162, MedGen C0027672, MeSH D009386, MONDO:0015356.
Ataxia-telangiectasia syndrome (AT). Also called: Ataxia telangiectasia (A-T); ATAXIA-TELANGIECTASIA, COMPLEMENTATION GROUP A; ATAXIA-TELANGIECTASIA, FRESNO VARIANT; Ataxia-telangiectasia; Ataxia-telangiectasia, complementation group E; LOUIS-BAR SYNDROME. Identifiers: Orphanet 100, MedGen C0004135, MONDO:0008840, OMIM 208900.

Submissions (4):

Labcorp Genetics (formerly Invitae), Labcorp
Classification: Uncertain significance for Ataxia-telangiectasia syndrome. Last evaluated: 2025-03-03. Review status: criteria provided, single submitter. Criteria: Invitae Variant Classification Sherloc (09022015). Collection method: clinical testing. Allele origin: germline.
Comment: This sequence change replaces serine, which is neutral and polar, with glycine, which is neutral and non-polar, at codon 2619 of the ATM protein (p.Ser2619Gly). This variant is not present in population databases (gnomAD no frequency). This variant has not been reported in the literature in individuals affected with ATM-related conditions. ClinVar contains an entry for this variant (Variation ID: 1007824). Invitae Evidence Modeling of protein sequence and biophysical properties (such as structural, functional, and spatial information, amino acid conservation, physicochemical variation, residue mobility, and thermodynamic stability) indicates that this missense variant is not expected to disrupt ATM protein function with a negative predictive value of 95%. In summary, the available evidence is currently insufficient to determine the role of this variant in disease. Therefore, it has been classified as a Variant of Uncertain Significance.

Ambry Genetics
Classification: Uncertain significance for Hereditary cancer-predisposing syndrome. Last evaluated: 2023-08-11. Review status: criteria provided, single submitter. Criteria: Ambry Variant Classification Scheme 2023. Collection method: clinical testing. Allele origin: germline.
Comment: The p.S2619G variant (also known as c.7855A>G), located in coding exon 52 of the ATM gene, results from an A to G substitution at nucleotide position 7855. The serine at codon 2619 is replaced by glycine, an amino acid with similar properties. This amino acid position is conserved. In addition, this alteration is predicted to be tolerated by in silico analysis. Since supporting evidence is limited at this time, the clinical significance of this alteration remains unclear.

GeneDx
Classification: Uncertain significance. Last evaluated: 2021-11-10. Review status: criteria provided, single submitter. Criteria: GeneDx Variant Classification Process June 2021. Collection method: clinical testing. Allele origin: germline. Affected: yes.
Comment: Not observed at significant frequency in large population cohorts (Lek et al., 2016); In silico analysis supports that this missense variant does not alter protein structure/function; Has not been previously published as pathogenic or benign to our knowledge

Natera, Inc.
Classification: Uncertain significance for Ataxia-telangiectasia. Last evaluated: 2025-02-16. Review status: no assertion criteria provided. Collection method: clinical testing. Allele origin: germline. Not counted in ClinVar's aggregate classification.